The following is an entry in ClinVar:

NM_006785.4(MALT1):c.611dup (p.Gln205fs)

Gene: MALT1 (MALT1 paracaspase; plus strand). Cytogenetic location: 18q21.32.
Variant type: Duplication.
Coding change: c.611dup on transcript NM_006785.4 (MANE Select); coding-DNA position 611, one base duplicated (C; older notation c.611dupC).
Protein change: p.Gln205fs; shifts the reading frame from glutamine 205.
Molecular consequence: frameshift variant.
Genome position (GRCh38, 1-based): chr18:58,700,553, C duplicated. VCF-style (leftmost placement, unchanged base first): chr18-58700552-T-TC. GRCh37 (hg19) VCF-style: chr18-56367784-T-TC.
Other names: c.611dup, p.Gln205fs (NM_173844.3); short protein forms Q205fs.
Identifiers: ClinVar variation 662739 (VCV000662739.6), dbSNP rs1602300615, ClinGen allele CA915951569.

ClinVar aggregate classification (germline): Pathogenic (1 of 4 stars; one submission).

Conditions:
Combined immunodeficiency due to MALT1 deficiency. Also called: Immunodeficiency 12. Identifiers: Orphanet 397964, MedGen C3809583, MONDO:0014197, OMIM 615468.

Submission:

Labcorp Genetics (formerly Invitae), Labcorp
Classification: Pathogenic for Combined immunodeficiency due to MALT1 deficiency. Last evaluated: 2018-10-04. Review status: criteria provided, single submitter. Criteria: Invitae Variant Classification Sherloc (09022015). Collection method: clinical testing. Allele origin: germline.
Comment: For these reasons, this variant has been classified as Pathogenic. Loss-of-function variants in MALT1 are known to be pathogenic (PMID: 23727036, 25627829). This variant has not been reported in the literature in individuals with MALT1-related disease. This variant is not present in population databases (ExAC no frequency). This sequence change creates a premature translational stop signal (p.Gln205Thrfs*16) in the MALT1 gene. It is expected to result in an absent or disrupted protein product.

Literature cited by the submitters: PubMed 23727036; PubMed 25627829.